The following is an entry in ClinVar:

ClinVar aggregate classification (germline): Uncertain significance (1 of 4 stars; one submission).

Conditions:
Hereditary cancer-predisposing syndrome. Also called: Hereditary Cancer Syndrome; Hereditary neoplastic syndrome; Neoplastic Syndromes, Hereditary; Tumor predisposition. Identifiers: Orphanet 140162, MedGen C0027672, MeSH D009386, MONDO:0015356.

Submission:

Ambry Genetics
Classification: Uncertain significance for Hereditary cancer-predisposing syndrome. Last evaluated: 2023-06-09. Review status: criteria provided, single submitter. Criteria: Ambry Variant Classification Scheme 2023. Collection method: clinical testing. Allele origin: germline.
Comment: The p.Q2684P variant (also known as c.8051A>C), located in coding exon 54 of the ATM gene, results from an A to C substitution at nucleotide position 8051. The glutamine at codon 2684 is replaced by proline, an amino acid with similar properties. This amino acid position is conserved. In addition, the in silico prediction for this alteration is inconclusive. Since supporting evidence is limited at this time, the clinical significance of this alteration remains unclear.

NM_000051.4(ATM):c.8051A>C (p.Gln2684Pro)

Genes: ATM (ATM serine/threonine kinase; plus strand), C11orf65 (chromosome 11 open reading frame 65; minus strand). Cytogenetic location: 11q22.3.
Variant type: single nucleotide variant.
Coding change: c.8051A>C on transcript NM_000051.4 (MANE Select); coding-DNA position 8051, A replaced by C.
Protein change: p.Gln2684Pro; replaces glutamine 2684 with proline.
Molecular consequence: missense variant. On other transcripts: intron variant (2).
Genome position (GRCh38, 1-based): chr11:108,335,009, A>C. VCF-style: chr11-108335009-A-C. GRCh37 (hg19) VCF-style: chr11-108205736-A-C.
Other names: c.8051A>C, p.Gln2684Pro (NM_001351834.2); c.641-25938T>G (NM_001330368.2); c.*38+211T>G (NM_001351110.2); short protein forms Q2684P.
Identifiers: ClinVar variation 2568248 (VCV002568248.2), dbSNP rs1555127107, ClinGen allele CA382561925.